The following is an entry in ClinVar:

NM_000443.4(ABCB4):c.3218G>A (p.Cys1073Tyr)

Gene: ABCB4 (ATP binding cassette subfamily B member 4; minus strand). Cytogenetic location: 7q21.12.
Variant type: single nucleotide variant.
Coding change: c.3218G>A on transcript NM_000443.4 (MANE Select); coding-DNA position 3218, G replaced by A.
Protein change: p.Cys1073Tyr; replaces cysteine 1073 with tyrosine.
Molecular consequence: missense variant.
Genome position (GRCh38, 1-based): chr7:87,408,098, C>T on the plus strand (G>A on the coding strand, the complement: ABCB4 is on the minus strand). VCF-style: chr7-87408098-C-T. GRCh37 (hg19) VCF-style: chr7-87037414-C-T.
Other names: c.3218G>A, p.Cys1073Tyr (NM_018849.3); c.3077G>A, p.Cys1026Tyr (NM_018850.3); short protein forms C1026Y, C1073Y.
Identifiers: ClinVar variation 4846410 (VCV004846410.1).

ClinVar aggregate classification (germline): Uncertain significance (1 of 4 stars; one submission).

Conditions:
Familial intrahepatic cholestasis. Identifiers: Orphanet 284385, MedGen CN296401, MONDO:0017290.

gnomAD v4.1: 1 of 1,614,256 alleles (0.000062%); no homozygotes.

Submission:

Genomenon, Inc
Classification: Uncertain significance for Familial intrahepatic cholestasis. Last evaluated: 2026-04-14. Review status: criteria provided, single submitter. Criteria: Genomenon Sequence Variant Interpretation Standards - Updated. Collection method: curation. Allele origin: germline. Affected: yes.
Comment: ABCB4 p.Cys1073Tyr (c.3218G>A) is a missense variant that changes the amino acid at residue 1073 from Cysteine to Tyrosine. This variant has been observed in at least one proband with an ABCB4-related disorder (PMID:26473142). It has been observed in trans with a pathogenic or likely pathogenic variant (PMID:26473142). It is absent or not present at a significant frequency in gnomAD. In silico models predict that this variant is possibly or probably damaging. In conclusion, we classify ABCB4 p.Cys1073Tyr (c.3218G>A) as a variant of uncertain significance.

Literature cited by the submitters: PubMed 26473142.